The following is an entry in ClinVar:

ClinVar aggregate classification (germline): Uncertain significance (1 of 4 stars; one submission).

Conditions:
Cryopyrin associated periodic syndrome (CAPS). Identifiers: Orphanet 208650, MedGen C2316212, MONDO:0016168.

Allele frequency attached by ClinVar (database versions not stated): gnomAD exomes below 0.00001.
gnomAD v4.1: 4 of 1,614,150 alleles (0.00025%); highest among the groups gnomAD compares: Non-Finnish European, 0.00034%; no homozygotes.

Submission:

Labcorp Genetics (formerly Invitae), Labcorp
Classification: Uncertain significance for Cryopyrin associated periodic syndrome. Last evaluated: 2025-09-02. Review status: criteria provided, single submitter. Criteria: Invitae Variant Classification Sherloc (09022015). Collection method: clinical testing. Allele origin: germline.
Comment: This sequence change replaces tyrosine, which is neutral and polar, with serine, which is neutral and polar, at codon 861 of the NLRP3 protein (p.Tyr861Ser). This variant is not present in population databases (gnomAD no frequency). This variant has not been reported in the literature in individuals affected with NLRP3-related conditions. ClinVar contains an entry for this variant (Variation ID: 536882). Invitae Evidence Modeling of protein sequence and biophysical properties (such as structural, functional, and spatial information, amino acid conservation, physicochemical variation, residue mobility, and thermodynamic stability) indicates that this missense variant is not expected to disrupt NLRP3 protein function with a negative predictive value of 95%. This variant disrupts the p.Tyr861 amino acid residue in NLRP3. Other variant(s) that disrupt this residue have been determined to be pathogenic (PMID: 15334500, 20131254, 26245507). This suggests that this residue is clinically significant, and that variants that disrupt this residue are likely to be disease-causing. In summary, the available evidence is currently insufficient to determine the role of this variant in disease. Therefore, it has been classified as a Variant of Uncertain Significance.

Literature cited by the submitters: PubMed 15334500; PubMed 20131254; PubMed 26245507.

NM_001243133.2(NLRP3):c.2576A>C (p.Tyr859Ser)

Gene: NLRP3 (NLR family pyrin domain containing 3; plus strand). Cytogenetic location: 1q44.
Variant type: single nucleotide variant.
Coding change: c.2576A>C on transcript NM_001243133.2 (MANE Select); coding-DNA position 2576, A replaced by C.
Protein change: p.Tyr859Ser; replaces tyrosine 859 with serine.
Molecular consequence: missense variant. On other transcripts: intron variant (2).
Genome position (GRCh38, 1-based): chr1:247,436,053, A>C. VCF-style: chr1-247436053-A-C. GRCh37 (hg19) VCF-style: chr1-247599355-A-C.
Other names: c.2576A>C, p.Tyr859Ser (NM_001079821.3); c.2405A>C, p.Tyr802Ser (NM_001127462.3); c.2582A>C, p.Tyr861Ser (NM_004895.5); c.2492+1780A>C (NM_001127461.3); c.2321+1780A>C (NM_183395.3); short protein forms Y861S, Y859S, Y802S.
Identifiers: ClinVar variation 536882 (VCV000536882.10), dbSNP rs180177452, ClinGen allele CA345562274.